The following is an entry in ClinVar:

ClinVar aggregate classification (germline): Uncertain significance (1 of 4 stars; one submission).

Submission:

GeneDx
Classification: Uncertain significance. Last evaluated: 2024-07-01. Review status: criteria provided, single submitter. Criteria: GeneDx Variant Classification Process June 2021. Collection method: clinical testing. Allele origin: germline. Affected: yes.
Comment: Not observed at significant frequency in large population cohorts (gnomAD); In silico analysis supports that this missense variant has a deleterious effect on protein structure/function; Has not been previously published as pathogenic or benign to our knowledge

NM_001195263.2(PDZD7):c.2572G>A (p.Gly858Ser)

Gene: PDZD7 (PDZ domain containing 7; minus strand). Cytogenetic location: 10q24.31.
Variant type: single nucleotide variant.
Coding change: c.2572G>A on transcript NM_001195263.2 (MANE Select); coding-DNA position 2572, G replaced by A.
Protein change: p.Gly858Ser; replaces glycine 858 with serine.
Molecular consequence: missense variant.
Genome position (GRCh38, 1-based): chr10:101,010,317, C>T on the plus strand (G>A on the coding strand, the complement: PDZD7 is on the minus strand). VCF-style: chr10-101010317-C-T. GRCh37 (hg19) VCF-style: chr10-102770074-C-T.
Other names: short protein forms G858S.
Identifiers: ClinVar variation 3393665 (VCV003393665.1).